The following is an entry in ClinVar:

ClinVar aggregate classification (germline): Uncertain significance (1 of 4 stars; one submission).

Conditions:
Dilated cardiomyopathy 1O (CMD1O). Also called: CARDIOMYOPATHY, DILATED, WITH VENTRICULAR TACHYCARDIA. Identifiers: Orphanet 154, MedGen C1837839, MONDO:0012062, OMIM 608569.

gnomAD v4.1: 2 of 1,613,912 alleles (0.00012%); no homozygotes.

Submission:

Labcorp Genetics (formerly Invitae), Labcorp
Classification: Uncertain significance for Dilated cardiomyopathy 1O. Last evaluated: 2025-10-28. Review status: criteria provided, single submitter. Criteria: Invitae Variant Classification Sherloc (09022015). Collection method: clinical testing. Allele origin: germline.
Comment: This sequence change replaces isoleucine, which is neutral and non-polar, with valine, which is neutral and non-polar, at codon 162 of the ABCC9 protein (p.Ile162Val). This variant is not present in population databases (gnomAD no frequency). This variant has not been reported in the literature in individuals affected with ABCC9-related conditions. Invitae Evidence Modeling of protein sequence and biophysical properties (such as structural, functional, and spatial information, amino acid conservation, physicochemical variation, residue mobility, and thermodynamic stability) indicates that this missense variant is not expected to disrupt ABCC9 protein function with a negative predictive value of 95%. In summary, the available evidence is currently insufficient to determine the role of this variant in disease. Therefore, it has been classified as a Variant of Uncertain Significance.

NM_020297.4(ABCC9):c.484A>G (p.Ile162Val)

Gene: ABCC9 (ATP binding cassette subfamily C member 9; minus strand). Cytogenetic location: 12p12.1.
Variant type: single nucleotide variant.
Coding change: c.484A>G on transcript NM_020297.4 (MANE Select); coding-DNA position 484, A replaced by G.
Protein change: p.Ile162Val; replaces isoleucine 162 with valine.
Molecular consequence: missense variant. On other transcripts: intron variant (1).
Genome position (GRCh38, 1-based): chr12:21,917,026, T>C on the plus strand (A>G on the coding strand, the complement: ABCC9 is on the minus strand). VCF-style: chr12-21917026-T-C. GRCh37 (hg19) VCF-style: chr12-22069960-T-C.
Other names: c.484A>G, p.Ile162Val (NM_005691.4, NM_001377273.1); c.-48-3960A>G (NM_001377274.1); short protein forms I162V.
Identifiers: ClinVar variation 4779695 (VCV004779695.1).